The following is an entry in ClinVar:

NM_002292.4(LAMB2):c.3612G>C (p.Leu1204Phe)

Gene: LAMB2 (laminin subunit beta 2; minus strand). Cytogenetic location: 3p21.31.
Variant type: single nucleotide variant.
Coding change: c.3612G>C on transcript NM_002292.4 (MANE Select); coding-DNA position 3612, G replaced by C.
Protein change: p.Leu1204Phe; replaces leucine 1204 with phenylalanine.
Molecular consequence: missense variant.
Genome position (GRCh38, 1-based): chr3:49,123,913, C>G on the plus strand (G>C on the coding strand, the complement: LAMB2 is on the minus strand). VCF-style: chr3-49123913-C-G. GRCh37 (hg19) VCF-style: chr3-49161346-C-G.
Other names: short protein forms L1204F.
Identifiers: ClinVar variation 2065680 (VCV002065680.4), dbSNP rs2045381056, ClinGen allele CA352706122.

ClinVar aggregate classification (germline): Uncertain significance (1 of 4 stars; one submission).

Conditions:
Pierson syndrome. Also called: MICROCORIA-CONGENITAL NEPHROTIC SYNDROME. Identifiers: Orphanet 2670, MedGen C1836876, MONDO:0012184, OMIM 609049.
LAMB2-related infantile-onset nephrotic syndrome. Also called: NEPHROTIC SYNDROME, TYPE 5, WITHOUT OCULAR ABNORMALITIES; NEPHROTIC SYNDROME, TYPE 5, WITH OCULAR ABNORMALITIES; Nephrotic Syndrome, type 5. Identifiers: Orphanet 306507, MedGen C3280113, MONDO:0013621, OMIM 614199.

Allele frequency attached by ClinVar (database versions not stated): gnomAD exomes below 0.00001.

Submission:

Labcorp Genetics (formerly Invitae), Labcorp
Classification: Uncertain significance for LAMB2-related infantile-onset nephrotic syndrome; Pierson syndrome. Last evaluated: 2021-12-29. Review status: criteria provided, single submitter. Criteria: Invitae Variant Classification Sherloc (09022015). Collection method: clinical testing. Allele origin: germline.
Comment: In summary, the available evidence is currently insufficient to determine the role of this variant in disease. Therefore, it has been classified as a Variant of Uncertain Significance. Algorithms developed to predict the effect of missense changes on protein structure and function are either unavailable or do not agree on the potential impact of this missense change (SIFT: "Deleterious"; PolyPhen-2: "Probably Damaging"; Align-GVGD: "Class C15"). This variant has not been reported in the literature in individuals affected with LAMB2-related conditions. This variant is not present in population databases (gnomAD no frequency). This sequence change replaces leucine, which is neutral and non-polar, with phenylalanine, which is neutral and non-polar, at codon 1204 of the LAMB2 protein (p.Leu1204Phe).